The following is an entry in ClinVar:

ClinVar aggregate classification (germline): Benign/Likely benign. Review status: criteria provided, multiple submitters, no conflicts (2 of 4 stars). 9 submissions from 8 submitters: Benign (8); Likely benign (1). Last evaluated 2026-02-03.

Conditions:
Bronchiectasis with or without elevated sweat chloride 2 (BESC2). Identifiers: Orphanet 60033, MedGen C2751666, MONDO:0013087, OMIM 613021.
Pseudohypoaldosteronism, type IB1, autosomal recessive. Also called: Pseudohypoaldosteronism, Type I, Autosomal Recessive; Pseudohypoaldosteronism, Type I, Recessive; PHA I, AUTOSOMAL RECESSIVE; Autosomal recessive pseudohypoaldosteronism type 1. Identifiers: Orphanet 171876, Orphanet 756, MedGen C5774176, MONDO:0009917, OMIM 264350.

Allele frequency attached by ClinVar (database versions not stated): gnomAD exomes 0.05329 and 0.07938; ExAC 0.08987; gnomAD 0.16638 and 0.17402; ESP Exome Variant Server 0.17630; TOPMed 0.17695; 1000 Genomes Project 0.19229; 1000 Genomes Project 30x 0.19582.
gnomAD v4.1: 103,841 of 1,613,752 alleles (6.4%); highest among the groups gnomAD compares: African/African-American, 47%; 10,382 homozygotes.

Submissions (9):

Labcorp Genetics (formerly Invitae), Labcorp
Classification: Benign. Last evaluated: 2026-02-03. Review status: criteria provided, single submitter. Criteria: Invitae Variant Classification Sherloc (09022015). Collection method: clinical testing. Allele origin: germline.

Blueprint Genetics
Classification: Likely benign. Last evaluated: 2024-11-27. Review status: criteria provided, single submitter. Criteria: ACMG Guidelines, 2015. Collection method: clinical testing. Allele origin: germline.

Mayo Clinic Laboratories, Mayo Clinic
Classification: Benign. Last evaluated: 2023-04-05. Review status: criteria provided, single submitter. Criteria: ACMG Guidelines, 2015. Collection method: clinical testing. Allele origin: germline. Observed: 25 variant alleles.
Comment: BA1, BS2, BP4

GeneDx
Classification: Benign. Last evaluated: 2019-08-06. Review status: criteria provided, single submitter. Criteria: GeneDx Variant Classification Process June 2021. Collection method: clinical testing. Allele origin: germline. Affected: yes.
Comment: This variant is associated with the following publications: (PMID: 19462466, 27582106)

Illumina Laboratory Services, Illumina
Classification: Benign for Bronchiectasis with or without elevated sweat chloride 2. Last evaluated: 2018-01-12. Review status: criteria provided, single submitter. Criteria: ICSL Variant Classification Criteria 13 December 2019. Collection method: clinical testing. Allele origin: germline.
Comment: This variant was observed in the ICSL laboratory as part of a predisposition screen in an ostensibly healthy population. It had not been previously curated by ICSL or reported in the Human Gene Mutation Database (HGMD: prior to June 1st, 2018), and was therefore a candidate for classification through an automated scoring system. Utilizing variant allele frequency, disease prevalence and penetrance estimates, and inheritance mode, an automated score was calculated to assess if this variant is too frequent to cause the disease. Based on the score and internal cut-off values, a variant classified as benign is not then subjected to further curation. The score for this variant resulted in a classification of benign for this disease.

Illumina Laboratory Services, Illumina
Classification: Benign for Pseudohypoaldosteronism, type IB1, autosomal recessive. Last evaluated: 2018-01-12. Review status: criteria provided, single submitter. Criteria: ICSL Variant Classification Criteria 13 December 2019. Collection method: clinical testing. Allele origin: germline.
Comment: the same text as in the submission from Illumina Laboratory Services, Illumina above.

Laboratory for Molecular Medicine, Mass General Brigham Personalized Medicine
Classification: Benign. Last evaluated: 2013-02-21. Review status: criteria provided, single submitter. Criteria: LMM Criteria. Collection method: clinical testing. Allele origin: germline. Observed: 15 variant alleles.
Comment: Ala393Thr in exon 5 of SCNN1A: This variant is not expected to have clinical sig nificance because it has been identified in 44.8% (1975/4406) of African America n chromosomes from a broad population by the NHLBI Exome Sequencing Project (dbSNP rs11542844).

Breakthrough Genomics
Classification: Benign. Review status: criteria provided, single submitter. Criteria: ACMG Guidelines, 2015. Collection method: not provided. Allele origin: germline. Inheritance: Autosomal recessive inheritance. Affected: yes.

PreventionGenetics, part of Exact Sciences
Classification: Benign. Review status: criteria provided, single submitter. Criteria: ACMG Guidelines, 2015. Collection method: clinical testing. Allele origin: germline.

NM_001038.6(SCNN1A):c.1000G>A (p.Ala334Thr)

Gene: SCNN1A (sodium channel epithelial 1 subunit alpha; minus strand). Cytogenetic location: 12p13.31.
Variant type: single nucleotide variant.
Coding change: c.1000G>A on transcript NM_001038.6 (MANE Select); coding-DNA position 1000, G replaced by A.
Protein change: p.Ala334Thr; replaces alanine 334 with threonine.
Molecular consequence: missense variant.
Genome position (GRCh38, 1-based): chr12:6,355,415, C>T on the plus strand (G>A on the coding strand, the complement: SCNN1A is on the minus strand). VCF-style: chr12-6355415-C-T. GRCh37 (hg19) VCF-style: chr12-6464581-C-T.
Other names: c.1069G>A, p.Ala357Thr (NM_001159575.2); c.1177G>A, p.Ala393Thr (NM_001159576.2); short protein forms A334T, A393T, A357T.
Identifiers: ClinVar variation 165165 (VCV000165165.22), dbSNP rs11542844, ClinGen allele CA177873.